The following is an entry in ClinVar:

ClinVar aggregate classification (germline): Pathogenic. Review status: criteria provided, multiple submitters, no conflicts (2 of 4 stars). 3 submissions from 3 submitters: Pathogenic (2). 1 of the submissions does not count toward it. Last evaluated 2021-11-14.

Conditions:
Citrullinemia, type II, adult-onset (CDAA). Also called: CITRIN DEFICIENCY, ADOLESCENT OR ADULT ONSET. Identifiers: Orphanet 247585, MedGen CN295299, MONDO:0011326, OMIM 603471.
Citrin deficiency. Identifiers: Orphanet 247582, MedGen C1997910, MONDO:0016602.
Neonatal intrahepatic cholestasis due to citrin deficiency (CDNI). Also called: Neonatal Intrahepatic Cholestasis Caused by Citrin Deficiency (NICCD); Neonatal-onset citrullinemia type II; Neonatal-onset citrullinemia type 2; CITRIN DEFICIENCY, NEONATAL OR INFANTILE ONSET. Identifiers: Orphanet 247598, MedGen C1853942, MONDO:0011601, OMIM 605814.

Submissions (3):

Baylor Genetics
Classification: Pathogenic for Citrullinemia, type II, adult-onset. Last evaluated: 2021-11-14. Review status: criteria provided, single submitter. Criteria: ACMG Guidelines, 2015. Collection method: clinical testing. Allele origin: unknown.

Labcorp Genetics (formerly Invitae), Labcorp
Classification: Pathogenic for Citrin deficiency. Last evaluated: 2019-06-17. Review status: criteria provided, single submitter. Criteria: Invitae Variant Classification Sherloc (09022015). Collection method: clinical testing. Allele origin: germline.
Comment: For these reasons, this variant has been classified as Pathogenic. This sequence change results in a premature translational stop signal in the SLC25A13 gene (p.Glu601*). While this is not anticipated to result in nonsense mediated decay, it is expected to disrupt the last 75 amino acids of the SLC25A13 protein. This variant is not present in population databases (ExAC no frequency). This variant has been observed in several individuals affected with SLC25A13-related conditions (PMID: 11793471, 29651749, 23430852, 29659898). ClinVar contains an entry for this variant (Variation ID: 21513). This variant disrupts the C-terminus of the SLC25A13 protein. Other variant(s) that disrupt this region (p.Arg605*) have been observed in individuals with SLC25A13-related conditions (PMID: 11153906). This suggests that this may be a clinically significant region of the protein.

GeneReviews
No classification provided. Condition: Neonatal intrahepatic cholestasis due to citrin deficiency. Review status: no classification provided. Collection method: literature only. Allele origin: unknown. Not counted in ClinVar's aggregate classification.

Literature cited by the submitters: PubMed 11793471 (cited by Labcorp Genetics (formerly Invitae), Labcorp and GeneReviews); PubMed 29651749 (cited by Labcorp Genetics (formerly Invitae), Labcorp); PubMed 23430852 (cited by Labcorp Genetics (formerly Invitae), Labcorp); PubMed 29659898 (cited by Labcorp Genetics (formerly Invitae), Labcorp); PubMed 11153906 (cited by Labcorp Genetics (formerly Invitae), Labcorp); PubMed 20301360 (cited by GeneReviews); NCBI Bookshelf NBK1181 (cited by GeneReviews).

NM_014251.3(SLC25A13):c.1801G>T (p.Glu601Ter)

Gene: SLC25A13 (solute carrier family 25 member 13; minus strand). Cytogenetic location: 7q21.3.
Variant type: single nucleotide variant.
Coding change: c.1801G>T on transcript NM_014251.3 (MANE Select); coding-DNA position 1801, G replaced by T.
Protein change: p.Glu601Ter; replaces glutamic acid 601 with a stop codon.
Molecular consequence: nonsense. On other transcripts: non-coding transcript variant (1).
Genome position (GRCh38, 1-based): chr7:96,121,695, C>A on the plus strand (G>T on the coding strand, the complement: SLC25A13 is on the minus strand). VCF-style: chr7-96121695-C-A. GRCh37 (hg19) VCF-style: chr7-95751007-C-A.
Other names: c.1804G>T, p.Glu602Ter (NM_001160210.2); short protein forms E601*, E602*.
Identifiers: ClinVar variation 21513 (VCV000021513.14), dbSNP rs80338727, ClinGen allele CA342155.